The following is an entry in ClinVar:

NM_006440.5(TXNRD2):c.662+14G>A

Gene: TXNRD2 (thioredoxin reductase 2; minus strand). Cytogenetic location: 22q11.21.
Variant type: single nucleotide variant.
Coding change: c.662+14G>A on transcript NM_006440.5 (MANE Select); 14 bases into the intron after coding-DNA position 662, G replaced by A.
Molecular consequence: intron variant.
Genome position (GRCh38, 1-based): chr22:19,911,363, C>T on the plus strand (G>A on the coding strand, the complement: TXNRD2 is on the minus strand). VCF-style: chr22-19911363-C-T. GRCh37 (hg19) VCF-style: chr22-19898886-C-T.
Other names: c.659+14G>A (NM_001352300.2); c.374+14G>A (NM_001352302.2); c.572+14G>A (NM_001352301.2); c.662+14G>A (NM_001282512.3); c.566+14G>A (NM_001352303.2).
Identifiers: ClinVar variation 384716 (VCV000384716.11), dbSNP rs9606176, ClinGen allele CA10104071.
Genomic context (GRCh38, chr22:19,911,363, plus strand): 5'-GCACAGGCTCTAAGGGTCCAGTGCTCACTCTGGTGAACAAAAAGAGGACCCCACCAAGCA[C>T]GCGCAGGCCTTACGTTTTTCCAGGGGATTCCTTCAGCCAGAAGATGTCATCACTTGTGAT-3'

ClinVar aggregate classification (germline): Benign. Review status: criteria provided, multiple submitters, no conflicts (2 of 4 stars). 4 submissions from 4 submitters: Benign (4). Last evaluated 2026-02-04.

Conditions:
Primary dilated cardiomyopathy (DCM). Also called: Dilated Cardiomyopathy. Identifiers: Orphanet 217604, MedGen C0007193, MeSH D002311, MONDO:0005021, HP:0001644. Inheritance: Various modes of inheritance.
Glucocorticoid deficiency 5. Identifiers: MedGen C4540522, MONDO:0040502, OMIM 617825.

Allele frequency attached by ClinVar (database versions not stated): 1000 Genomes Project 30x 0.17052; 1000 Genomes Project 0.17153; ESP Exome Variant Server 0.10597; TOPMed 0.12605; ExAC 0.13023; gnomAD exomes 0.13413; gnomAD 0.13466.
gnomAD v4.1: 175,778 of 1,608,332 alleles (11%); highest among the groups gnomAD compares: East Asian, 24%; 11,017 homozygotes.

Submissions (4):

Labcorp Genetics (formerly Invitae), Labcorp
Classification: Benign for Primary dilated cardiomyopathy. Last evaluated: 2026-02-04. Review status: criteria provided, single submitter. Criteria: Invitae Variant Classification Sherloc (09022015). Collection method: clinical testing. Allele origin: germline.

Genome-Nilou Lab
Classification: Benign for Glucocorticoid deficiency 5. Last evaluated: 2021-12-05. Review status: criteria provided, single submitter. Criteria: ACMG Guidelines, 2015. Collection method: clinical testing. Allele origin: germline. Affected: no.

GeneDx
Classification: Benign. Last evaluated: 2016-09-26. Review status: criteria provided, single submitter. Criteria: GeneDx Variant Classification (06012015). Collection method: clinical testing. Allele origin: germline. Affected: yes.
Comment: This variant is considered likely benign or benign based on one or more of the following criteria: it is a conservative change, it occurs at a poorly conserved position in the protein, it is predicted to be benign by multiple in silico algorithms, and/or has population frequency not consistent with disease.

Breakthrough Genomics
Classification: Benign. Review status: criteria provided, single submitter. Criteria: ACMG Guidelines, 2015. Collection method: not provided. Allele origin: germline. Inheritance: Autosomal recessive inheritance. Affected: yes.